The following is an entry in ClinVar:

NM_005476.7(GNE):c.2036T>G (p.Val679Gly)

Gene: GNE (glucosamine (UDP-N-acetyl)-2-epimerase/N-acetylmannosamine kinase; minus strand). Cytogenetic location: 9p13.3.
Variant type: single nucleotide variant.
Coding change: c.2036T>G on transcript NM_005476.7 (MANE Select); coding-DNA position 2036, T replaced by G.
Protein change: p.Val679Gly; replaces valine 679 with glycine.
Molecular consequence: missense variant.
Genome position (GRCh38, 1-based): chr9:36,217,498, A>C on the plus strand (T>G on the coding strand, the complement: GNE is on the minus strand). VCF-style: chr9-36217498-A-C. GRCh37 (hg19) VCF-style: chr9-36217495-A-C.
Other names: c.2129T>G, p.Val710Gly (NM_001128227.3); c.1814T>G, p.Val605Gly (NM_001190383.3); c.1706T>G, p.Val569Gly (NM_001190384.3); c.1859T>G, p.Val620Gly (NM_001190388.2, NM_001374798.1); c.1883T>G, p.Val628Gly (NM_001374797.1); short protein forms V569G, V605G, V620G, V628G, V679G, V710G.
Identifiers: ClinVar variation 4814606 (VCV004814606.2).
Genomic context (GRCh38, chr9:36,217,498, plus strand): 5'-GAAACCACCACATCCACGTCCTGCACGGAGGACAAGGCCTGCTGGCGAATGACGTCTTTG[A>C]CAATGTGGATATAGTGACTGGCCAGGACTCCGGAGAGGATCACAAGGGAGGGATTCATGG-3'
Protein context (NP_005467.1, residues 669-689): GVLASHYIHI[Val679Gly]KDVIRQQALS

ClinVar aggregate classification (germline): Conflicting classifications of pathogenicity. Review status: criteria provided, conflicting classifications (1 of 4 stars). 2 submissions from 2 submitters: Likely pathogenic (1); Uncertain significance (1). Last evaluated 2025-12-02.

Conditions:
GNE myopathy (NM). Also called: NONAKA DISTAL MYOPATHY; MYOPATHY, DISTAL, WITH OR WITHOUT RIMMED VACUOLES; IBM 2; Inclusion body myopathy autosomal recessive; Inclusion body myopathy quadriceps sparing; INCLUSION BODY MYOPATHY, HEREDITARY, AUTOSOMAL RECESSIVE. Identifiers: Orphanet 602, MedGen C1853926, MONDO:0011603, OMIM 605820.

gnomAD v4.1: 3 of 1,614,102 alleles (0.00019%); highest among the groups gnomAD compares: Non-Finnish European, 0.00025%; no homozygotes.

Submissions (2):

Myriad Genetics, Inc.
Classification: Uncertain significance for GNE myopathy. Last evaluated: 2025-12-02. Review status: criteria provided, single submitter. Criteria: Myriad Autosomal Dominant, Autosomal Recessive and X-Linked Classification Criteria (2023). Collection method: clinical testing. Allele origin: unknown.
Comment: NM_001128227.2(GNE):c.2129T>G(V710G) is a missense variant classified as a variant of uncertain significance in the context of GNE myopathy. V710G has been observed in cases with relevant disease (PMID: 30401567, 27858732). Relevant functional assessments of this variant are not available in the literature. V710G has been observed in referenced population frequency databases. In summary, there is insufficient evidence to classify NM_001128227.2(GNE):c.2129T>G(V710G) as pathogenic or benign. Please note: this variant was assessed in the context of healthy population screening.

Natera, Inc.
Classification: Likely pathogenic for Nonaka myopathy. Last evaluated: 2024-08-06. Review status: criteria provided, single submitter. Criteria: Natera Variant Classification Schema (03/2026). Collection method: clinical testing. Allele origin: germline.
Comment: The c.2129T>G variant in GNE is a missense variant predicted to cause substitution of valine to glycine at amino acid 710. This variant is rare in the general population with a frequency below the threshold expected for the associated phenotype(s). This variant has been observed in one or more individuals affected with the associated recessive disease, as either homozygous or compound heterozygous with a second variant (PMID: 27858732, 18555875). Computational prediction algorithms indicate this variant is likely to affect gene or protein function. Given the available evidence, this variant is classified as Likely Pathogenic.

Literature cited by the submitters: PubMed 27858732 (cited by Myriad Genetics, Inc. and Natera, Inc.); PubMed 30401567 (cited by Myriad Genetics, Inc.); PubMed 18555875 (cited by Natera, Inc.).